The following is an entry in ClinVar:

ClinVar aggregate classification (germline): Pathogenic/Likely pathogenic. Review status: criteria provided, multiple submitters, no conflicts (2 of 4 stars). 12 submissions from 12 submitters: Pathogenic (9); Likely pathogenic (1). 2 of the submissions do not count toward it. Last evaluated 2025-11-21.

Conditions:
FANCA-related disorder. Also called: FANCA-related condition.
FANCA-related disorders.
Fanconi anemia (FA). Also called: Fanconi's anemia. Identifiers: Orphanet 84, MedGen C0015625, MeSH D005199, MONDO:0019391.
Fanconi anemia complementation group A (FANCA). Also called: Fanconi anemia, group A; FANCA-Related Fanconi Anemia. Identifiers: Orphanet 84, MedGen C3469521, MONDO:0009215, OMIM 227650.

Allele frequency attached by ClinVar (database versions not stated): TOPMed 0.00002.

Submissions (12):

Labcorp Genetics (formerly Invitae), Labcorp
Classification: Pathogenic for Fanconi anemia. Last evaluated: 2025-11-21. Review status: criteria provided, single submitter. Criteria: Invitae Variant Classification Sherloc (09022015). Collection method: clinical testing. Allele origin: germline.
Comment: This sequence change affects the initiator codon of the FANCA mRNA. This change may impact translation initiation or efficiency. The next in-frame methionine is located at codon 116. The frequency data for this variant in the population databases is considered unreliable, as metrics indicate poor data quality at this position in the gnomAD database. Disruption of the initiator codon has been observed in individuals with Fanconi anemia (PMID: 10090479, 15643609, 16084127, 22778927, 23898106, 24584348). ClinVar contains an entry for this variant (Variation ID: 435134). For these reasons, this variant has been classified as Pathogenic.

Natera, Inc.
Classification: Pathogenic for Fanconi anemia. Last evaluated: 2025-10-13. Review status: criteria provided, single submitter. Criteria: Natera Variant Classification Schema (03/2026). Collection method: clinical testing. Allele origin: germline.
Comment: The c.1A>G variant in FANCA is predicted to result in start loss due to disruption of the initiator methionine. This variant is expected to result in nonsense mediated decay, truncation, or a dysfunctional protein product. This variant is rare in the general population with a frequency below the threshold expected for the associated phenotype(s). This variant has been observed in one or more individuals affected with the associated recessive disease, as either homozygous or compound heterozygous with a second variant (PMID: 29098742). Given the available evidence, this variant is classified as Pathogenic.

Variantyx, Inc.
Classification: Pathogenic for Fanconi anemia complementation group A. Last evaluated: 2025-08-02. Review status: criteria provided, single submitter. Criteria: Variantyx Assertion Criteria 2022. Collection method: clinical testing. Allele origin: germline. Inheritance: Autosomal recessive inheritance.
Comment: This is a start-loss variant in the FANCA gene (OMIM: 607139). Pathogenic variants in this gene have been associated with autosomal recessive Fanconi anemia of complementation group A. This variant results in loss of the initiation codonand is expected to result in loss of function, which is a known disease mechanism for FANCA in this disorder (PMID: 22778927, 10090479) (PVS1). It has been identified in the homozygous or compound heterozygous state in at least 2 individuals reported in the published literature (PMID: 10090479, 22778927) (PM3)}. The maximum allele frequency in non-founder control populations of this variant is 0.0021% (PM2). Based on the current evidence, this variant is classified as pathogenic for autosomal recessive Fanconi anemia of complementation group A.

3billion
Classification: Pathogenic for Fanconi anemia complementation group A. Last evaluated: 2025-07-28. Review status: criteria provided, single submitter. Criteria: ACMG Guidelines, 2015. Collection method: clinical testing. Allele origin: germline. Affected: yes.
Comment: The variant is observed at an extremely low frequency in the gnomAD v4.1.0 dataset (total allele frequency: 0.002%). Predicted Consequence/Location: Start-lost: reinitiation of translation may occur at a downstream alternate start codon but still result in a loss or disruption of normal protein function as there have been pathogenic variants reported upstream of the alternate start codon. The variant has been reported to be in trans with a pathogenic variant as either compound heterozygous or homozygous in at least one similarly affected unrelated individual (PMID: 16084127). The variant has been reported at least twice as pathogenic with clinical assertions and evidence for the classification (ClinVar ID: VCV000435134 /PMID: 10090479 /3billion dataset). Therefore, this variant is classified as Pathogenic according to the recommendation of ACMG/AMP guideline.

PreventionGenetics, part of Exact Sciences
Classification: Pathogenic for FANCA-related condition. Last evaluated: 2025-03-16. Review status: criteria provided, single submitter. Criteria: ACMG Guidelines, 2015. Collection method: clinical testing. Allele origin: germline.
Comment: The FANCA c.1A>G variant is predicted to disrupt the translation initiation site (Start Loss). This variant has been reported in the homozygous and compound heterozygous states in individuals with clinical features of Fanconi anemia (FA) (Tachibana et al. 1999. PubMed ID: 10090479; Guidugli et al. 2017. PubMed ID: 28104920). This variant is reported in 0.0085% of alleles in individuals of African descent in gnomAD. Of note, multiple nucleotide substitutions that disrupt the FANCA initiation codon (c.1A>T, c.1A>C, c.2T>A, c.2T>C, c.2T>G) have also been reported as disease-causing in individuals with FA (for example, see De Rocco et al. 2014. PubMed ID: 24584348; Table S2, Altintas et al. 2023. PubMed ID: 35417938; Table S3, Chang et al. 2023. PubMed ID: 36463940). Taken together, the c.1A>G variant is interpreted as pathogenic.

GeneDx
Classification: Pathogenic. Last evaluated: 2023-07-05. Review status: criteria provided, single submitter. Criteria: GeneDx Variant Classification Process June 2021. Collection method: clinical testing. Allele origin: germline. Affected: yes.
Comment: Initiation codon variant in a gene for which loss of function is a known mechanism of disease; This variant is associated with the following publications: (PMID: 28104920, 10090479, 30031030, 15643609, 30792206)

Revvity Omics, Revvity
Classification: Pathogenic for Fanconi anemia complementation group A. Last evaluated: 2021-06-11. Review status: criteria provided, single submitter. Criteria: ACMG Guidelines, 2015. Collection method: clinical testing. Allele origin: germline.

Fulgent Genetics
Classification: Pathogenic for Fanconi anemia complementation group A. Last evaluated: 2018-10-31. Review status: criteria provided, single submitter. Criteria: ACMG Guidelines, 2015. Collection method: clinical testing. Allele origin: unknown.

Blueprint Genetics
Classification: Likely pathogenic for FANCA-related disorders. Last evaluated: 2017-12-07. Review status: criteria provided, single submitter. Criteria: ACMG Guidelines, 2015. Collection method: clinical testing. Allele origin: germline. Affected: yes. Observed: 2 variant alleles.

Genetic Services Laboratory, University of Chicago
Classification: Pathogenic for Fanconi anemia, complementation group A. Last evaluated: 2016-11-11. Review status: criteria provided, single submitter. Criteria: ACMG Guidelines, 2015. Collection method: clinical testing. Allele origin: germline. Affected: yes.

Leiden Open Variation Database
Classification: Pathogenic for Fanconi anemia complementation group A. Last evaluated: 2020-02-28. Review status: no assertion criteria provided. Collection method: curation. Allele origin: germline. Affected: yes. Not counted in ClinVar's aggregate classification.
Comment: Curator: Arleen D. Auerbach. Submitters to LOVD: Arleen D. Auerbach, Sue Richards.

Counsyl
Classification: Likely pathogenic for Fanconi anemia complementation group A. Last evaluated: 2017-08-24. Review status: no assertion criteria provided. Collection method: clinical testing. Allele origin: unknown. Not counted in ClinVar's aggregate classification.

Literature cited by the submitters: PubMed 10090479 (cited by 5 submitters); PubMed 15643609 (cited by Labcorp Genetics (formerly Invitae), Labcorp); PubMed 16084127 (cited by Labcorp Genetics (formerly Invitae), Labcorp and 3billion); PubMed 22778927 (cited by Labcorp Genetics (formerly Invitae), Labcorp and Variantyx, Inc.); PubMed 23898106 (cited by Labcorp Genetics (formerly Invitae), Labcorp); PubMed 24584348 (cited by Labcorp Genetics (formerly Invitae), Labcorp); PubMed 29098742 (cited by Natera, Inc.).

NM_000135.4(FANCA):c.1A>G (p.Met1Val)

Genes: FANCA (FA complementation group A; minus strand), LOC112486223 (Sharpr-MPRA regulatory region 3988; plus strand). Cytogenetic location: 16q24.3.
Variant type: single nucleotide variant.
Coding change: c.1A>G on transcript NM_000135.4 (MANE Select); coding-DNA position 1, A replaced by G.
Protein change: p.Met1Val; changes the start codon (methionine 1).
Molecular consequence: missense variant, initiator codon variant.
Genome position (GRCh38, 1-based): chr16:89,816,615, T>C on the plus strand (A>G on the coding strand, the complement: FANCA is on the minus strand). VCF-style: chr16-89816615-T-C. GRCh37 (hg19) VCF-style: chr16-89883023-T-C.
Other names: c.1A>G (LRG_495t1, NM_000135.3); c.1A>G, p.Met1Val (NM_001018112.3, NM_001286167.3, NM_001351830.2); short protein forms M1V.
Identifiers: ClinVar variation 435134 (VCV000435134.32), dbSNP rs772751654, ClinGen allele CA397484679.
Genomic context (GRCh38, chr16:89,816,615, plus strand): 5'-CCCTCCGGCGGCCCCCTGGGTCCTGGCCCGAGGCGGAGTTCGGGACCCACGAGTCGGACA[T>C]GGCCTTGGCGCCTACAGCCCCGGCGGCGGCTCCCTGCGCCCGAGCCCGCGCTGCCTTCCT-3'
Protein context (NP_000126.2, residues 1-11): [Met1Val]SDSWVPNSAS